The following is an entry in ClinVar:

NM_006642.5(SDCCAG8):c.420G>T (p.Lys140Asn)

Gene: SDCCAG8 (SHH signaling and ciliogenesis regulator SDCCAG8; plus strand). Cytogenetic location: 1q43.
Variant type: single nucleotide variant.
Coding change: c.420G>T on transcript NM_006642.5 (MANE Select); coding-DNA position 420, G replaced by T.
Protein change: p.Lys140Asn; replaces lysine 140 with asparagine.
Molecular consequence: missense variant. On other transcripts: 5 prime UTR variant (3).
Genome position (GRCh38, 1-based): chr1:243,274,656, G>T. VCF-style: chr1-243274656-G-T. GRCh37 (hg19) VCF-style: chr1-243437958-G-T.
Other names: c.-693G>T (NM_001350246.2); c.-581G>T (NM_001350247.2); c.420G>T, p.Lys140Asn (NM_001350248.2); c.126G>T, p.Lys42Asn (NM_001350249.2); c.-954G>T (NM_001350251.2); c.420G>T (NM_006642.3); short protein forms K140N, K42N.
Identifiers: ClinVar variation 1903732 (VCV001903732.8), dbSNP rs763284045, ClinGen allele CA1483297.

ClinVar aggregate classification (germline): Uncertain significance. Review status: criteria provided, multiple submitters, no conflicts (2 of 4 stars). 3 submissions from 3 submitters: Uncertain significance (2). 1 of the submissions does not count toward it. Last evaluated 2024-03-01.

Conditions:
SDCCAG8-related disorder. Also called: SDCCAG8-Related Disorders; SDCCAG8-related condition.
Senior-Loken syndrome 7 (SLSN7). Identifiers: Orphanet 3156, MedGen C3150877, MONDO:0013326, OMIM 613615.
Bardet-Biedl syndrome 16 (BBS16). Identifiers: Orphanet 110, MedGen C3889474, MONDO:0014444, OMIM 615993.

Allele frequency attached by ClinVar (database versions not stated): ExAC 0.00001; gnomAD exomes 0.00002; gnomAD 0.00004; TOPMed 0.00009.

Submissions (4):

Fulgent Genetics
Classification: Uncertain significance for Senior-Loken syndrome 7; Bardet-Biedl syndrome 16. Last evaluated: 2024-03-01. Review status: criteria provided, single submitter. Criteria: ACMG Guidelines, 2015. Collection method: clinical testing. Allele origin: germline.

Labcorp Genetics (formerly Invitae), Labcorp
Classification: Uncertain significance for Bardet-Biedl syndrome 16; Senior-Loken syndrome 7. Last evaluated: 2023-05-22. Review status: criteria provided, single submitter. Criteria: Invitae Variant Classification Sherloc (09022015). Collection method: clinical testing. Allele origin: germline.
Comment: This sequence change affects codon 140 of the SDCCAG8 mRNA. It is a 'silent' change, meaning that it does not change the encoded amino acid sequence of the SDCCAG8 protein. This variant also falls at the last nucleotide of exon 4, which is part of the consensus splice site for this exon. This variant is present in population databases (rs763284045, gnomAD 0.08%). This variant has not been reported in the literature in individuals affected with SDCCAG8-related conditions. In summary, the available evidence is currently insufficient to determine the role of this variant in disease. Therefore, it has been classified as a Variant of Uncertain Significance. Variants that disrupt the consensus splice site are a relatively common cause of aberrant splicing (PMID: 17576681, 9536098). An algorithm developed to predict the effect of missense changes on protein structure and function (PolyPhen-2) suggests that this variant is likely to be disruptive. ClinVar contains an entry for this variant (Variation ID: 1903732).

PreventionGenetics, part of Exact Sciences
Classification: Uncertain significance for SDCCAG8-related condition. Last evaluated: 2024-08-07. Review status: no assertion criteria provided. Collection method: clinical testing. Allele origin: germline. Not counted in ClinVar's aggregate classification.
Comment: The SDCCAG8 c.420G>T variant is predicted to result in the amino acid substitution p.Lys140Asn. This variant was reported as a variant of uncertain significance in an individual with obesity in a study of 117 individuals from a pediatric weight management program (Supplementary Table 1, Roberts et al. 2022. PubMed ID: 35562395). This variant is reported in 0.075% of alleles in individuals of East Asian descent in gnomAD. Although we suspect this variant may be benign, at this time, the clinical significance is uncertain due to the absence of conclusive functional and genetic evidence.

Dr. Peter K. Rogan Lab, Western University
No classification provided (evidence only). Condition: Hepatocellular carcinoma. Review status: no classification provided. Collection method: in vitro. Allele origin: not applicable. Functional consequence: skipped exon, retained intron. Not counted in ClinVar's aggregate classification.

Literature cited by the submitters: PubMed 17576681 (cited by Labcorp Genetics (formerly Invitae), Labcorp); PubMed 9536098 (cited by Labcorp Genetics (formerly Invitae), Labcorp).